The following is an entry in ClinVar:

ClinVar aggregate classification (germline): Conflicting classifications of pathogenicity. Review status: criteria provided, conflicting classifications (1 of 4 stars). 5 submissions from 5 submitters: Uncertain significance (1); Benign (2); Likely benign (1). 1 of the submissions does not count toward it. Last evaluated 2025-09-21.

Conditions:
JAG1-related disorder. Also called: JAG1-related condition; JAG1-related disorders.
Cardiovascular phenotype. Identifiers: MedGen CN230736.
Alagille syndrome due to a JAG1 point mutation. Also called: HEPATIC DUCTULAR HYPOPLASIA, SYNDROMATIC; JAG1-Related Alagille Syndrome; Alagille Syndrome 1. Identifiers: Orphanet 261619, Orphanet 52, MedGen C1956125, MONDO:0016862, OMIM 118450.

Allele frequency attached by ClinVar (database versions not stated): gnomAD 0.00005; gnomAD exomes 0.00005 and 0.00024; TOPMed 0.00010; ExAC 0.00017.
gnomAD v4.1: 73 of 1,614,044 alleles (0.0045%); highest among the groups gnomAD compares: Admixed American, 0.12%; no homozygotes.

Submissions (5):

Labcorp Genetics (formerly Invitae), Labcorp
Classification: Benign for Alagille syndrome due to a JAG1 point mutation. Last evaluated: 2025-09-21. Review status: criteria provided, single submitter. Criteria: Invitae Variant Classification Sherloc (09022015). Collection method: clinical testing. Allele origin: germline.

Blueprint Genetics
Classification: Likely benign. Last evaluated: 2024-08-06. Review status: criteria provided, single submitter. Criteria: ACMG Guidelines, 2015. Collection method: clinical testing. Allele origin: germline.

Ambry Genetics
Classification: Benign for Cardiovascular phenotype. Last evaluated: 2022-01-10. Review status: criteria provided, single submitter. Criteria: Ambry Variant Classification Scheme 2023. Collection method: clinical testing. Allele origin: germline.

Eurofins Ntd Llc (ga)
Classification: Uncertain significance. Last evaluated: 2016-06-21. Review status: criteria provided, single submitter. Criteria: EGL Classification Definitions 2015. Collection method: clinical testing. Allele origin: germline. Observed: 2 variant alleles, 2 heterozygotes.

PreventionGenetics, part of Exact Sciences
Classification: Likely benign for JAG1-related condition. Last evaluated: 2022-01-18. Review status: no assertion criteria provided. Collection method: clinical testing. Allele origin: germline. Not counted in ClinVar's aggregate classification.
Comment: This variant is classified as likely benign based on ACMG/AMP sequence variant interpretation guidelines (Richards et al. 2015 PMID: 25741868, with internal and published modifications).

NM_000214.3(JAG1):c.2781C>T (p.Val927=)

Gene: JAG1 (jagged canonical Notch ligand 1; minus strand). Cytogenetic location: 20p12.2.
Variant type: single nucleotide variant.
Coding change: c.2781C>T on transcript NM_000214.3 (MANE Select); coding-DNA position 2781, C replaced by T.
Protein change: p.Val927=; no amino-acid change (valine 927 retained).
Molecular consequence: synonymous variant.
Genome position (GRCh38, 1-based): chr20:10,641,595, G>A on the plus strand (C>T on the coding strand, the complement: JAG1 is on the minus strand). VCF-style: chr20-10641595-G-A. GRCh37 (hg19) VCF-style: chr20-10622243-G-A.
Other names: c.2781C>T, p.Val927= (LRG_1191t1).
Identifiers: ClinVar variation 288350 (VCV000288350.20), dbSNP rs746664646, ClinGen allele CA9764394.
Genomic context (GRCh38, chr20:10,641,595, plus strand): 5'-CTTTGTCTTCACCGGCTGGAGACTGGAAGACCGACACTCGCCCACACCAGTGCAGGGGTG[G>A]ACGAAGCACTGGTCGTCCAGGATGGGGATGCAGCTCTGCCCGCTGGGGCACTCGCTGTGC-3'
Protein context (NP_000205.1, residues 917-937): CIPILDDQCF[Val927=]HPCTGVGECR